The following continues an entry in ClinVar:

NM_007194.4(CHEK2):c.1427C>T (p.Thr476Met)

Gene: CHEK2. ClinVar aggregate classification (germline): Conflicting classifications of pathogenicity. Pathogenic (1); Likely pathogenic (18); Established risk allele (2); Likely risk allele (1); Uncertain significance (26).

Submissions 21 to 33 of 62:

KCCC/NGS Laboratory, Kuwait Cancer Control Center
Classification: Uncertain significance for CHEK2-related cancer predisposition. Last evaluated: 2024-05-27. Review status: criteria provided, single submitter. Criteria: ACMG Guidelines, 2015. Collection method: clinical testing. Allele origin: germline. Inheritance: Autosomal dominant inheritance. Affected: yes. Observed: 1 heterozygote.
Comment: This sequence change replaces threonine, which is neutral and polar, with methionine, which is neutral and non-polar, at codon 476 of the CHEK2 protein (p.Thr476Met). This variant is present in population databases (rs142763740, gnomAD 0.05%), and has an allele count higher than expected for a pathogenic variant. This missense change has been observed in individual(s) with breast cancer, colorectal cancer, endometrial cancer, ovarian cancer, and/or prostate cancer (PMID: 21244692, 27443514, 28008555, 28944238, 29368341, 29520813, 31050813). ClinVar contains an entry for this variant (Variation ID: 128060). In addition, the in silico prediction for this alteration is inconclusive. . Experimental studies are conflicting or provide insufficient evidence to determine the effect of this variant on CHEK2 function (PMID: 22114986, 22419737, 30851065, 31050813). In summary, the available evidence is currently insufficient to determine the role of this variant in disease. Therefore, it has been classified as a Variant of Uncertain Significance.

Baylor Genetics
Classification: Likely pathogenic for Familial cancer of breast. Last evaluated: 2024-03-19. Review status: criteria provided, single submitter. Criteria: ACMG Guidelines, 2015. Collection method: clinical testing. Allele origin: unknown.

Institute of Human Genetics, University of Leipzig Medical Center
Classification: Uncertain significance for Familial cancer of breast. Last evaluated: 2024-02-13. Review status: criteria provided, single submitter. Criteria: ACMG Guidelines, 2015. Collection method: clinical testing. Allele origin: unknown. Inheritance: Autosomal dominant inheritance. Affected: yes.
Comment: Criteria applied: PS4_MOD,PP3

Greenwood Genetic Center Diagnostic Laboratories, Greenwood Genetic Center
Classification: Likely pathogenic for CHEK2-related cancer predisposition. Last evaluated: 2023-10-30. Review status: criteria provided, single submitter. Criteria: ACMG Guidelines, 2015. Collection method: clinical testing. Allele origin: germline.
Comment: PS3, PM2, PM5

CHEO Genetics Diagnostic Laboratory, Children's Hospital of Eastern Ontario
Classification: Uncertain significance for Breast and/or ovarian cancer. Last evaluated: 2023-05-26. Review status: criteria provided, single submitter. Criteria: ACMG Guidelines, 2015. Collection method: clinical testing. Allele origin: germline.

ARUP Laboratories, Molecular Genetics and Genomics, ARUP Laboratories
Classification: Likely pathogenic. Last evaluated: 2022-09-16. Review status: criteria provided, single submitter. Criteria: ARUP Molecular Germline Variant Investigation Process 2021. Collection method: clinical testing. Allele origin: germline.
Comment: The CHEK2 c.1427C>T; p.Thr476Met variant (rs142763740) is reported in numerous individuals with CHEK2-associated cancers (Classen 2013, Girard 2019, Hu 2018, Kamihara 2022, Le Calvez-Kelm 2011, Lilyquist 2017, Rizzolo 2019, Sutcliffe 2020), but is also reported in individuals without cancer suggesting reduced penetrance (Girard 2019). The overall lifetime breast cancer risk for CHEK2 pathogenic variants in general is 20-30% (Slavin 2015). In vitro kinase assays and in vivo DNA damage response assays with the variant protein showed a loss of kinase activity and impaired function (Delimitsou 2019, Desrichard 2011, Kleiblova 2019, Roeb 2012). However, one CHEK2-cell based assay showed no effect of the variant on protein function (Kleiblova 2019). This variant is reported by multiple laboratories in ClinVar (Variation ID: 128060). It is found in the general population with an overall allele frequency of 0.03% (83/265178 alleles) in the Genome Aggregation Database. The threonine at codon 476 is moderately conserved, but computational analyses are uncertain whether this variant is neutral or deleterious (REVEL: 0.445). Based on the currently available information, this variant is considered to be likely pathogenic. References: Classen CF et al. Dissecting the genotype in syndromic intellectual disability using whole exome sequencing in addition to genome-wide copy number analysis. Hum Genet. 2013 Jul;132(7):825-41. PMID: 23552953. Delimitsou A et al. Functional characterization of CHEK2 variants in a Saccharomyces cerevisiae system. Hum Mutat. 2019 May;40(5):631-648. PMID: 30851065. Desrichard A et al. CHEK2 contribution to hereditary breast cancer in non-BRCA families. Breast Cancer Res. 2011;13(6):R119. PMID: 22114986. Girard E et al. Familial breast cancer and DNA repair genes: Insights into known and novel susceptibility genes from the GENESIS study, and implications for multigene panel testing. Int J Cancer. 2019 Apr 15;144(8):1962-1974. PMID: 30303537. Hu C et al. Association Between Inherited Germline Mutations in Cancer Predisposition Genes and Risk of Pancreatic Cancer. JAMA. 2018 Jun 19;319(23):2401-2409. PMID: 29922827. Kamihara J et al. Germline pathogenic variants in cancer risk genes among patients with thyroid cancer and suspected predisposition. Cancer Med. 2022 Apr;11(8):1745-1752. PMID: 35174967. Kleiblova P et al. Identification of deleterious germline CHEK2 mutations and their association with breast and ovarian cancer. Int J Cancer. 2019 Oct 1;145(7):1782-1797. PMID: 31050813. Le Calvez-Kelm F et al. Rare, evolutionarily unlikely missense substitutions in CHEK2 contribute to breast cancer susceptibility: results from a breast cancer family registry case-control mutation-screening study. Breast Cancer Res. 2011 Jan 18;13(1):R6. PMID: 21244692. Lilyquist J et al. Frequency of mutations in a large series of clinically ascertained ovarian cancer cases tested on multi-gene panels compared to reference controls. Gynecol Oncol. 2017 Nov;147(2):375-380. PMID: 28888541. Rizzolo P et al. Insight into genetic susceptibility to male breast cancer by multigene panel testing: Results from a multicenter study in Italy. Int J Cancer. 2019 Jul 15;145(2):390-400. PMID: 30613976. Roeb W et al. Response to DNA damage of CHEK2 missense mutations in familial breast cancer. Hum Mol Genet. 2012 Jun 15;21(12):2738-44. PMID: 22419737. Slavin TP et al. Clinical Application of Multigene Panels: Challenges of Next-Generation Counseling and Cancer Risk Management. Front Oncol. 2015 5:208. PMID: 26484312. Sutcliffe EG et al. Differences in cancer prevalence among CHEK2 carriers identified via multi-gene panel testing. Cancer Genet. 2020 Aug;246-247:12-17. PMID: 32805687.

Revvity Omics, Revvity
Classification: Likely pathogenic. Last evaluated: 2022-06-30. Review status: criteria provided, single submitter. Criteria: ACMG Guidelines, 2015. Collection method: clinical testing. Allele origin: germline.

Clinical Genetics Laboratory, Skane University Hospital Lund
Classification: Uncertain significance. Last evaluated: 2022-05-27. Review status: criteria provided, single submitter. Criteria: ACMG Guidelines, 2015. Collection method: clinical testing. Allele origin: germline. Affected: yes.

MGZ Medical Genetics Center
Classification: Uncertain significance for Familial cancer of breast. Last evaluated: 2022-04-25. Review status: criteria provided, single submitter. Criteria: ACMG Guidelines, 2015. Collection method: clinical testing. Allele origin: germline. Affected: yes. Observed: 6 variant alleles.
Comment: ACMG criteria applied: PS3_SUP, PS4_SUP, BS3_SUP

Institute of Human Genetics, Heidelberg University
Classification: Pathogenic for Familial cancer of breast. Last evaluated: 2022-04-14. Review status: criteria provided, single submitter. Criteria: ACMG Guidelines, 2015. Collection method: clinical testing. Allele origin: germline.
Comment: reported as secondary finding

Sema4
Classification: Uncertain significance for Hereditary cancer-predisposing syndrome. Last evaluated: 2022-02-05. Review status: criteria provided, single submitter. Criteria: Sema4 Curation Guidelines. Collection method: curation. Allele origin: germline.
Comment: The CHEK2 c.1427C>T (p.T476M) variant has been reported in individuals with breast cancer (PMID: 21244692, 30426508, 30303537, 31050813), colorectal cancer (PMID: 28944238), ovarian cancer (PMID: 30322717, 31050813), prostate cancer (PMID: 29368341, 29520813), pancreatic cancer (PMID: 29945567, 29922827) and/or renal carcinoma (PMID: 32830346). In a case-control study, the variant was reported in 83/60466 breast cancer cases and in 45/53461 controls (PMID: 33471991). This variant was observed in 62/124190 chromosomes in the European (non-Finnish) population according to the Genome Aggregation Database (PMID: 32461654). This variant has been observed in 8 individuals who are reportedly cancer free at age 70 in the FLOSSIES database. This variant has been reported in ClinVar (Variation ID: 128060). Functional studies generated conflicting results (PMID: 22114986, 22419737, 30851065, and 31050813). Based on the above information the clinical significance of this variant cannot be determined with certainty at this time. In summary, the clinical significance of this variant is currently uncertain.

Genetic Services Laboratory, University of Chicago
Classification: Uncertain significance. Last evaluated: 2021-11-09. Review status: criteria provided, single submitter. Criteria: ACMG Guidelines, 2015. Collection method: clinical testing. Allele origin: germline. Affected: no.
Comment: DNA sequence analysis of the CHEK2 gene demonstrated a sequence change, c.1427C>T, in exon 13 that results in an amino acid change, p.Thr476Met. This sequence change has been described in the gnomAD population databases with a global population frequency of 0.03% (dbSNP rs142763740); however, this variant is present in a homologous region of the CHEK2 gene and therefore population data for this region may not be reliable. The p.Thr476Met change affects a highly conserved amino acid residue located in a domain of the CHEK2 protein that is known to be functional. The p.Thr476Met substitution appears to be possibly damaging using several in-silico pathogenicity prediction tools (SIFT, PolyPhen2, Align GVGD, REVEL). The p.Thr476Met change has been identified in patients with a personal and/or family history of breast cancer colorectal cancer, prostate cancer, and pancreatic cancer (PMIDs: 21244692, 27443514, 28944238, 29368341, 29520813, 28008555). Additionally, a different sequence change affecting the same amino acid residue (p.Thr476Lys) has been reported in an individual affected with prostate cancer (PMID: 16835864).. Experimental studies have shown that this missense change disrupts CHEK2 kinase activity in vitro and impairs DNA damage response (PMID: 22114986, 22419737).

Institute for Clinical Genetics, University Hospital TU Dresden, University Hospital TU Dresden
Classification: Likely pathogenic. Last evaluated: 2021-11-03. Review status: criteria provided, single submitter. Criteria: ACMG Guidelines, 2015. Collection method: clinical testing. Allele origin: germline.